The following is an entry in ClinVar:

ClinVar aggregate classification (germline): Uncertain significance (1 of 4 stars; one submission).

Submission:

Labcorp Genetics (formerly Invitae), Labcorp
Classification: Uncertain significance. Last evaluated: 2024-06-17. Review status: criteria provided, single submitter. Criteria: Invitae Variant Classification Sherloc (09022015). Collection method: clinical testing. Allele origin: germline.
Comment: This sequence change replaces histidine, which is basic and polar, with glutamine, which is neutral and polar, at codon 2022 of the EYS protein (p.His2022Gln). This variant is not present in population databases (gnomAD no frequency). This variant has not been reported in the literature in individuals affected with EYS-related conditions. Algorithms developed to predict the effect of missense changes on protein structure and function output the following: SIFT: "Not Available"; PolyPhen-2: "Benign"; Align-GVGD: "Not Available". The glutamine amino acid residue is found in multiple mammalian species, which suggests that this missense change does not adversely affect protein function. In summary, the available evidence is currently insufficient to determine the role of this variant in disease. Therefore, it has been classified as a Variant of Uncertain Significance.

NM_001142800.2(EYS):c.6066T>G (p.His2022Gln)

Gene: EYS (eyes shut homolog; minus strand). Cytogenetic location: 6q12.
Variant type: single nucleotide variant.
Coding change: c.6066T>G on transcript NM_001142800.2 (MANE Select); coding-DNA position 6066, T replaced by G.
Protein change: p.His2022Gln; replaces histidine 2022 with glutamine.
Molecular consequence: missense variant.
Genome position (GRCh38, 1-based): chr6:64,388,702, A>C on the plus strand (T>G on the coding strand, the complement: EYS is on the minus strand). VCF-style: chr6-64388702-A-C. GRCh37 (hg19) VCF-style: chr6-65098595-A-C.
Other names: c.6066T>G, p.His2022Gln (NM_001292009.2); short protein forms H2022Q.
Identifiers: ClinVar variation 2844550 (VCV002844550.2), dbSNP rs1445102436, ClinGen allele CA364391969.